The following is an entry in ClinVar:

NM_000539.3(RHO):c.403C>G (p.Arg135Gly)

Gene: RHO (rhodopsin; plus strand). Cytogenetic location: 3q22.1.
Variant type: single nucleotide variant.
Coding change: c.403C>G on transcript NM_000539.3 (MANE Select); coding-DNA position 403, C replaced by G.
Protein change: p.Arg135Gly; replaces arginine 135 with glycine.
Molecular consequence: missense variant.
Genome position (GRCh38, 1-based): chr3:129,530,917, C>G. VCF-style: chr3-129530917-C-G. GRCh37 (hg19) VCF-style: chr3-129249760-C-G.
Other names: short protein forms R135G.
Identifiers: ClinVar variation 1456261 (VCV001456261.7), dbSNP rs104893775, ClinGen allele CA354498053.

ClinVar aggregate classification (germline): Pathogenic. Review status: criteria provided, multiple submitters, no conflicts (2 of 4 stars). 2 submissions from 2 submitters: Pathogenic (2). Last evaluated 2024-10-26.

Conditions:
RHO-related disorder. Also called: RHO-related condition.

Submissions (2):

Labcorp Genetics (formerly Invitae), Labcorp
Classification: Pathogenic. Last evaluated: 2024-10-26. Review status: criteria provided, single submitter. Criteria: Invitae Variant Classification Sherloc (09022015). Collection method: clinical testing. Allele origin: germline.
Comment: This sequence change replaces arginine, which is basic and polar, with glycine, which is neutral and non-polar, at codon 135 of the RHO protein (p.Arg135Gly). This variant is not present in population databases (gnomAD no frequency). This missense change has been observed in individuals with autosomal dominant retinitis pigmentosa (PMID: 8317502, 8406457). It has also been observed to segregate with disease in related individuals. ClinVar contains an entry for this variant (Variation ID: 1456261). Invitae Evidence Modeling of protein sequence and biophysical properties (such as structural, functional, and spatial information, amino acid conservation, physicochemical variation, residue mobility, and thermodynamic stability) indicates that this missense variant is expected to disrupt RHO protein function with a positive predictive value of 95%. Experimental studies have shown that this missense change affects RHO function (PMID: 30977563). This variant disrupts the p.Arg135 amino acid residue in RHO. Other variant(s) that disrupt this residue have been determined to be pathogenic (PMID: 1484692, 1862076, 17014888, 25408095). This suggests that this residue is clinically significant, and that variants that disrupt this residue are likely to be disease-causing. For these reasons, this variant has been classified as Pathogenic.

Blueprint Genetics
Classification: Pathogenic for RHO-related disorders. Last evaluated: 2024-04-03. Review status: criteria provided, single submitter. Criteria: ACMG Guidelines, 2015. Collection method: clinical testing. Allele origin: germline. Affected: yes. Observed: 1 variant allele.

Literature cited by the submitters: PubMed 8317502 (cited by Labcorp Genetics (formerly Invitae), Labcorp); PubMed 8406457 (cited by Labcorp Genetics (formerly Invitae), Labcorp); PubMed 30977563 (cited by Labcorp Genetics (formerly Invitae), Labcorp); PubMed 1484692 (cited by Labcorp Genetics (formerly Invitae), Labcorp); PubMed 1862076 (cited by Labcorp Genetics (formerly Invitae), Labcorp); PubMed 17014888 (cited by Labcorp Genetics (formerly Invitae), Labcorp); PubMed 25408095 (cited by Labcorp Genetics (formerly Invitae), Labcorp).